The following is an entry in ClinVar:

ClinVar aggregate classification (germline): Uncertain significance (1 of 4 stars; one submission).

Submission:

Labcorp Genetics (formerly Invitae), Labcorp
Classification: Uncertain significance. Last evaluated: 2022-08-16. Review status: criteria provided, single submitter. Criteria: Invitae Variant Classification Sherloc (09022015). Collection method: clinical testing. Allele origin: germline.
Comment: In summary, the available evidence is currently insufficient to determine the role of this variant in disease. Therefore, it has been classified as a Variant of Uncertain Significance. Algorithms developed to predict the effect of missense changes on protein structure and function output the following: SIFT: "Tolerated"; PolyPhen-2: "Benign"; Align-GVGD: "Class C0". The glycine amino acid residue is found in multiple mammalian species, which suggests that this missense change does not adversely affect protein function. ClinVar contains an entry for this variant (Variation ID: 1369243). This variant has not been reported in the literature in individuals affected with GTPBP3-related conditions. This variant is not present in population databases (gnomAD no frequency). This sequence change replaces serine, which is neutral and polar, with glycine, which is neutral and non-polar, at codon 397 of the GTPBP3 protein (p.Ser397Gly).

NM_032620.4(GTPBP3):c.1093A>G (p.Ser365Gly)

Gene: GTPBP3 (GTP binding protein 3, mitochondrial; plus strand). Cytogenetic location: 19p13.11.
Variant type: single nucleotide variant.
Coding change: c.1093A>G on transcript NM_032620.4 (MANE Select); coding-DNA position 1093, A replaced by G.
Protein change: p.Ser365Gly; replaces serine 365 with glycine.
Molecular consequence: missense variant.
Genome position (GRCh38, 1-based): chr19:17,341,162, A>G. VCF-style: chr19-17341162-A-G. GRCh37 (hg19) VCF-style: chr19-17451971-A-G.
Other names: c.1030A>G, p.Ser344Gly (NM_001128855.3); c.1159A>G, p.Ser387Gly (NM_001195422.1); c.1189A>G, p.Ser397Gly (NM_133644.4); short protein forms S365G, S397G, S344G, S387G.
Identifiers: ClinVar variation 1369243 (VCV001369243.8), dbSNP rs2145706294, ClinGen allele CA404738783.